The following is an entry in ClinVar:

ClinVar aggregate classification (germline): Pathogenic/Likely pathogenic. Review status: criteria provided, multiple submitters, no conflicts (2 of 4 stars). 3 submissions from 3 submitters: Pathogenic (2); Likely pathogenic (1). Last evaluated 2024-11-05.

Conditions:
Muscular dystrophy, limb-girdle, autosomal recessive 23. Identifiers: Orphanet 565837, MedGen C4748327, MONDO:0029136, OMIM 618138.
Merosin deficient congenital muscular dystrophy (MDC1A). Also called: Congenital merosin-deficient muscular dystrophy 1A; Congenital Muscular Dystrophy Type 1A (MDC1A). Identifiers: Orphanet 258, MedGen C1263858, MONDO:0011925, OMIM 607855.
LAMA2-related muscular dystrophy (LAMA2-RD). Also called: Laminin alpha 2-related dystrophy. Identifiers: MedGen C5679788, MONDO:0100228.

Allele frequency attached by ClinVar (database versions not stated): gnomAD exomes 0.00001; TOPMed 0.00001.
gnomAD v4.1: 10 of 1,613,846 alleles (0.00062%); highest among the groups gnomAD compares: South Asian, 0.0022%; no homozygotes.

Submissions (3):

Labcorp Genetics (formerly Invitae), Labcorp
Classification: Pathogenic for LAMA2-related muscular dystrophy. Last evaluated: 2024-11-05. Review status: criteria provided, single submitter. Criteria: Invitae Variant Classification Sherloc (09022015). Collection method: clinical testing. Allele origin: germline.
Comment: This sequence change creates a premature translational stop signal (p.Arg1277*) in the LAMA2 gene. It is expected to result in an absent or disrupted protein product. Loss-of-function variants in LAMA2 are known to be pathogenic (PMID: 18700894, 32904964). This variant is not present in population databases (gnomAD no frequency). This premature translational stop signal has been observed in individual(s) with congenital muscular dystrophy (PMID: 30055037). ClinVar contains an entry for this variant (Variation ID: 477464). Algorithms developed to predict the effect of sequence changes on RNA splicing suggest that this variant may disrupt the consensus splice site. For these reasons, this variant has been classified as Pathogenic.

Fulgent Genetics
Classification: Likely pathogenic for Merosin deficient congenital muscular dystrophy; Muscular dystrophy, limb-girdle, autosomal recessive 23. Last evaluated: 2024-04-19. Review status: criteria provided, single submitter. Criteria: ACMG Guidelines, 2015. Collection method: clinical testing. Allele origin: germline.

Dubai Health Genomic Medicine Center, Dubai Health
Classification: Pathogenic. Last evaluated: 2022-12-17. Review status: criteria provided, single submitter. Criteria: ACMG Guidelines, 2015. Collection method: clinical testing. Allele origin: germline. Affected: yes.

Literature cited by the submitters: PubMed 18700894 (cited by Labcorp Genetics (formerly Invitae), Labcorp); PubMed 32904964 (cited by Labcorp Genetics (formerly Invitae), Labcorp); PubMed 30055037 (cited by Labcorp Genetics (formerly Invitae), Labcorp).

NM_000426.4(LAMA2):c.3829C>T (p.Arg1277Ter)

Gene: LAMA2 (laminin subunit alpha 2; plus strand). Cytogenetic location: 6q22.33.
Variant type: single nucleotide variant.
Coding change: c.3829C>T on transcript NM_000426.4 (MANE Select); coding-DNA position 3829, C replaced by T.
Protein change: p.Arg1277Ter; replaces arginine 1277 with a stop codon.
Molecular consequence: nonsense.
Genome position (GRCh38, 1-based): chr6:129,315,855, C>T. VCF-style: chr6-129315855-C-T. GRCh37 (hg19) VCF-style: chr6-129637000-C-T.
Other names: c.3829C>T, p.Arg1277Ter (NM_001079823.2); short protein forms R1277*.
Identifiers: ClinVar variation 477464 (VCV000477464.11), dbSNP rs1554269891, ClinGen allele CA365613369.
Genomic context (GRCh38, chr6:129,315,855, plus strand): 5'-ATCTATTTCGAGGCTCGGGAAGAAACAGGTTTCTCTACATATAATCCTCAAGTGATCATT[C>T]GAGGTGGGACACCTACTCATGCTAGAATTATCGTCAGGCATATGGCTGCTCCTCTGATTG-3'